The following is an entry in ClinVar:

NM_000455.5(STK11):c.629G>C (p.Cys210Ser)

Gene: STK11 (serine/threonine kinase 11; plus strand). Cytogenetic location: 19p13.3.
Variant type: single nucleotide variant.
Coding change: c.629G>C on transcript NM_000455.5 (MANE Select); coding-DNA position 629, G replaced by C.
Protein change: p.Cys210Ser; replaces cysteine 210 with serine.
Molecular consequence: missense variant. On other transcripts: non-coding transcript variant (1).
Genome position (GRCh38, 1-based): chr19:1,220,612, G>C. VCF-style: chr19-1220612-G-C. GRCh37 (hg19) VCF-style: chr19-1220611-G-C.
Other names: c.629G>C, p.Cys210Ser (NM_001407255.1); short protein forms C210S.
Identifiers: ClinVar variation 4176605 (VCV004176605.1).
Genomic context (GRCh38, chr19:1,220,612, plus strand): 5'-TCCCTGAGGGCTGCACGGCACCGCCACAGGCACTGCACCCGTTCGCGGCGGACGACACCT[G>C]CCGGACCAGCCAGGGCTCCCCGGCTTTCCAGCCGCCCGAGATTGCCAACGGCCTGGACAC-3'
Protein context (NP_000446.1, residues 200-220): ALHPFAADDT[Cys210Ser]RTSQGSPAFQ

ClinVar aggregate classification (germline): Uncertain significance (1 of 4 stars; one submission).

Conditions:
Hereditary cancer-predisposing syndrome. Also called: Neoplastic Syndromes, Hereditary; Tumor predisposition; Hereditary Cancer Syndrome; Hereditary neoplastic syndrome. Identifiers: Orphanet 140162, MedGen C0027672, MeSH D009386, MONDO:0015356.

Submission:

Ambry Genetics
Classification: Uncertain significance for Hereditary cancer-predisposing syndrome. Last evaluated: 2025-07-08. Review status: criteria provided, single submitter. Criteria: Ambry Variant Classification Scheme 2023. Collection method: clinical testing. Allele origin: germline.
Comment: The p.C210S variant (also known as c.629G>C), located in coding exon 5 of the STK11 gene, results from a G to C substitution at nucleotide position 629. The cysteine at codon 210 is replaced by serine, an amino acid with dissimilar properties. This amino acid position is highly conserved in available vertebrate species. In addition, this alteration is predicted to be deleterious by in silico analysis. Based on the available evidence, the clinical significance of this variant remains unclear.